The following is an entry in ClinVar:

ClinVar aggregate classification (germline): Benign. Review status: criteria provided, multiple submitters, no conflicts (2 of 4 stars). 2 submissions from 2 submitters: Benign (2). Last evaluated 2018-06-16.

Conditions:
Wolfram syndrome 1 (WFS1). Identifiers: Orphanet 3463, MedGen C4551693, MONDO:0009101, OMIM 222300.

Allele frequency attached by ClinVar (database versions not stated): TOPMed 0.02936; gnomAD 0.03211 and 0.03268; 1000 Genomes Project 30x 0.03841; 1000 Genomes Project 0.03914.
gnomAD v4.1: 4,946 of 152,270 alleles (3.2%); highest among the groups gnomAD compares: East Asian, 5.4%; 119 homozygotes.

Submissions (2):

GeneDx
Classification: Benign. Last evaluated: 2018-06-16. Review status: criteria provided, single submitter. Criteria: GeneDx Variant Classification (06012015). Collection method: clinical testing. Allele origin: germline. Affected: yes.
Comment: This variant is considered likely benign or benign based on one or more of the following criteria: it is a conservative change, it occurs at a poorly conserved position in the protein, it is predicted to be benign by multiple in silico algorithms, and/or has population frequency not consistent with disease.

Clinical Genomics, Uppaluri K&H Personalized Medicine Clinic
Classification: Benign for Wolfram syndrome 1. Review status: criteria provided, single submitter. Criteria: K & H Uppaluri Personalized Medicine Clinic Variant Classification & Assertion Criteria_Updated V.1. Collection method: research. Allele origin: unknown. Inheritance: Autosomal recessive inheritance.
Comment: Potent mutations in WFS1 gene are associated with Wolfram's syndrome, an autosomal recessive condition, which cause diabetes mellitus, diabetes insipidus, deafness and optic atrophy.However no sufficient evidence is found to ascertain the role of this particular variant rs112592966 in Wolfram's syndrome yet.

Literature cited by the submitters: PubMed 20738327 (cited by Clinical Genomics, Uppaluri K&H Personalized Medicine Clinic); PubMed 33879153 (cited by Clinical Genomics, Uppaluri K&H Personalized Medicine Clinic); PubMed 12955714 (cited by Clinical Genomics, Uppaluri K&H Personalized Medicine Clinic); PubMed 18060660 (cited by Clinical Genomics, Uppaluri K&H Personalized Medicine Clinic); PubMed 20301750 (cited by Clinical Genomics, Uppaluri K&H Personalized Medicine Clinic); PubMed 17603484 (cited by Clinical Genomics, Uppaluri K&H Personalized Medicine Clinic).

NM_006005.3(WFS1):c.713-1219C>T

Gene: WFS1 (wolframin ER transmembrane glycoprotein; plus strand). Cytogenetic location: 4p16.1.
Variant type: single nucleotide variant.
Coding change: c.713-1219C>T on transcript NM_006005.3 (MANE Select); 1219 bases into the intron before coding-DNA position 713, C replaced by T.
Molecular consequence: intron variant.
Genome position (GRCh38, 1-based): chr4:6,293,822, C>T. VCF-style: chr4-6293822-C-T. GRCh37 (hg19) VCF-style: chr4-6295549-C-T.
Other names: c.713-1219C>T (NM_001145853.1).
Identifiers: ClinVar variation 673404 (VCV000673404.2), dbSNP rs112592966, ClinGen allele CA11677694.